The following is an entry in ClinVar:

ClinVar aggregate classification (germline): Uncertain significance (1 of 4 stars; one submission).

Conditions:
Leukodystrophy, hypomyelinating, 6. Also called: TUBB4A-Associated Leukodystrophy; LEUKODYSTROPHY, HYPOMYELINATING, WITH ATROPHY OF THE BASAL GANGLIA AND CEREBELLUM; Hypomyelination with Atrophy of Basal Ganglia and Cerebellum (H-ABC). Identifiers: Orphanet 139441, MedGen C2676244, MONDO:0012905, OMIM 612438.

Submission:

Labcorp Genetics (formerly Invitae), Labcorp
Classification: Uncertain significance for Leukodystrophy, hypomyelinating, 6. Last evaluated: 2024-10-15. Review status: criteria provided, single submitter. Criteria: Invitae Variant Classification Sherloc (09022015). Collection method: clinical testing. Allele origin: germline.
Comment: This sequence change replaces leucine, which is neutral and non-polar, with phenylalanine, which is neutral and non-polar, at codon 151 of the TUBB4A protein (p.Leu151Phe). This variant is not present in population databases (gnomAD no frequency). This variant has not been reported in the literature in individuals affected with TUBB4A-related conditions. This missense change has been observed in at least one individual who was not affected with TUBB4A-related conditions (internal data). ClinVar contains an entry for this variant (Variation ID: 1357980). Invitae Evidence Modeling of protein sequence and biophysical properties (such as structural, functional, and spatial information, amino acid conservation, physicochemical variation, residue mobility, and thermodynamic stability) has been performed for this missense variant. However, the output from this modeling did not meet the statistical confidence thresholds required to predict the impact of this variant on TUBB4A protein function. In summary, the available evidence is currently insufficient to determine the role of this variant in disease. Therefore, it has been classified as a Variant of Uncertain Significance.

NM_006087.4(TUBB4A):c.451C>T (p.Leu151Phe)

Gene: TUBB4A (tubulin beta 4A class IVa; minus strand). Cytogenetic location: 19p13.3.
Variant type: single nucleotide variant.
Coding change: c.451C>T on transcript NM_006087.4 (MANE Select); coding-DNA position 451, C replaced by T.
Protein change: p.Leu151Phe; replaces leucine 151 with phenylalanine.
Molecular consequence: missense variant.
Genome position (GRCh38, 1-based): chr19:6,496,048, G>A on the plus strand (C>T on the coding strand, the complement: TUBB4A is on the minus strand). VCF-style: chr19-6496048-G-A. GRCh37 (hg19) VCF-style: chr19-6496059-G-A.
Other names: c.604C>T, p.Leu202Phe (NM_001289123.2); c.586C>T, p.Leu196Phe (NM_001289127.2); c.451C>T, p.Leu151Phe (NM_001289129.2); c.235C>T, p.Leu79Phe (NM_001289130.2, NM_001289131.2); short protein forms L196F, L202F, L79F, L151F.
Identifiers: ClinVar variation 1357980 (VCV001357980.8), dbSNP rs2145245878, ClinGen allele CA403592275.